The following is an entry in ClinVar:

ClinVar aggregate classification (germline): Uncertain significance. Review status: criteria provided, multiple submitters, no conflicts (2 of 4 stars). 2 submissions from 2 submitters: Uncertain significance (2). Last evaluated 2025-06-24.

Conditions:
Agammaglobulinemia 4, autosomal recessive (AGM4). Also called: B cell linker protein deficiency; AGAMMAGLOBULINEMIA, AUTOSOMAL RECESSIVE, DUE TO BLNK DEFECT. Identifiers: MedGen C3150752, MONDO:0013289, OMIM 613502.
Inborn genetic diseases. Identifiers: MedGen C0950123, MeSH D030342.

Allele frequency attached by ClinVar (database versions not stated): gnomAD exomes below 0.00001; ExAC 0.00001.
gnomAD v4.1: 1 of 1,612,816 alleles (0.000062%); highest among the groups gnomAD compares: South Asian, 0.0011%; no homozygotes.

Submissions (2):

Ambry Genetics
Classification: Uncertain significance for Inborn genetic diseases. Last evaluated: 2025-06-24. Review status: criteria provided, single submitter. Criteria: Ambry Variant Classification Scheme 2023. Collection method: clinical testing. Allele origin: germline.

Labcorp Genetics (formerly Invitae), Labcorp
Classification: Uncertain significance for Agammaglobulinemia 4, autosomal recessive. Last evaluated: 2023-08-03. Review status: criteria provided, single submitter. Criteria: Invitae Variant Classification Sherloc (09022015). Collection method: clinical testing. Allele origin: germline.
Comment: This sequence change replaces serine, which is neutral and polar, with asparagine, which is neutral and polar, at codon 374 of the BLNK protein (p.Ser374Asn). This variant is not present in population databases (gnomAD no frequency). This variant has not been reported in the literature in individuals affected with BLNK-related conditions. Advanced modeling of protein sequence and biophysical properties (such as structural, functional, and spatial information, amino acid conservation, physicochemical variation, residue mobility, and thermodynamic stability) performed at Invitae indicates that this missense variant is expected to disrupt BLNK protein function. In summary, the available evidence is currently insufficient to determine the role of this variant in disease. Therefore, it has been classified as a Variant of Uncertain Significance.

NM_013314.4(BLNK):c.1121G>A (p.Ser374Asn)

Genes: BLNK (B cell linker; minus strand), ZNF518A (zinc finger protein 518A; plus strand). Cytogenetic location: 10q24.1.
Variant type: single nucleotide variant.
Coding change: c.1121G>A on transcript NM_013314.4 (MANE Select); coding-DNA position 1121, G replaced by A.
Protein change: p.Ser374Asn; replaces serine 374 with asparagine.
Molecular consequence: missense variant. On other transcripts: non-coding transcript variant (3), intron variant (3).
Genome position (GRCh38, 1-based): chr10:96,197,038, C>T on the plus strand (G>A on the coding strand, the complement: BLNK is on the minus strand). VCF-style: chr10-96197038-C-T. GRCh37 (hg19) VCF-style: chr10-97956794-C-T.
Other names: c.1052G>A, p.Ser351Asn (NM_001114094.2); c.780+3037G>A (NM_001258442.2); c.1026+3037G>A (NM_001258441.2); c.1095+3037G>A (NM_001258440.2); short protein forms S351N, S374N.
Identifiers: ClinVar variation 2744630 (VCV002744630.4), dbSNP rs782248760, ClinGen allele CA5623171.
Genomic context (GRCh38, chr10:96,197,038, plus strand): 5'-TATACTCGCTTATTAAAGAATACAACTAGTGTATATGGTTGTTTGGAATCATGGCCAGAG[C>T]TTTTCCGAATAAGAAATGATCCATCCTGTTTAATTTTTTTTAAAAAACATAATTATGGTT-3'
Protein context (NP_037446.1, residues 364-384): NKDGSFLIRK[Ser374Asn]SGHDSKQPYT